The following is an entry in ClinVar:

ClinVar aggregate classification (germline): Uncertain significance (1 of 4 stars; one submission).

Submission:

Labcorp Genetics (formerly Invitae), Labcorp
Classification: Uncertain significance. Last evaluated: 2024-02-24. Review status: criteria provided, single submitter. Criteria: Invitae Variant Classification Sherloc (09022015). Collection method: clinical testing. Allele origin: germline.
Comment: This sequence change replaces threonine, which is neutral and polar, with alanine, which is neutral and non-polar, at codon 445 of the SERPING1 protein (p.Thr445Ala). This variant is not present in population databases (gnomAD no frequency). This variant has not been reported in the literature in individuals affected with SERPING1-related conditions. ClinVar contains an entry for this variant (Variation ID: 2092119). Algorithms developed to predict the effect of missense changes on protein structure and function output the following: SIFT: "Not Available"; PolyPhen-2: "Benign"; Align-GVGD: "Not Available". The alanine amino acid residue is found in multiple mammalian species, which suggests that this missense change does not adversely affect protein function. In summary, the available evidence is currently insufficient to determine the role of this variant in disease. Therefore, it has been classified as a Variant of Uncertain Significance.

NM_000062.3(SERPING1):c.1333A>G (p.Thr445Ala)

Gene: SERPING1 (serpin family G member 1; plus strand). Cytogenetic location: 11q12.1.
Variant type: single nucleotide variant.
Coding change: c.1333A>G on transcript NM_000062.3 (MANE Select); coding-DNA position 1333, A replaced by G.
Protein change: p.Thr445Ala; replaces threonine 445 with alanine.
Molecular consequence: missense variant.
Genome position (GRCh38, 1-based): chr11:57,614,411, A>G. VCF-style: chr11-57614411-A-G. GRCh37 (hg19) VCF-style: chr11-57381884-A-G.
Other names: c.1333A>G, p.Thr445Ala (NM_001032295.2); short protein forms T445A.
Identifiers: ClinVar variation 2092119 (VCV002092119.4), dbSNP rs2495458058, ClinGen allele CA380690562.